The following is an entry in ClinVar:

ClinVar aggregate classification (germline): Uncertain significance (1 of 4 stars; one submission).

Conditions:
CTLA4-related disorder. Also called: CTLA4-related condition.

Submission:

PreventionGenetics, part of Exact Sciences
Classification: Uncertain significance for CTLA4-related condition. Last evaluated: 2026-06-29. Review status: criteria provided, single submitter. Criteria: ACMG Guidelines, 2015. Collection method: clinical testing. Allele origin: germline.
Comment: The CTLA4 c.356T>C variant is predicted to result in the amino acid substitution p.Leu119Pro. This variant has been reported in the heterozygous state in an individual with CTLA-4 deficiency as an inherited finding from a parent with celiac disease and autoimmune thyroiditis (Drabko et al. 2024. PubMed ID: 39624103). This variant has not been reported in a large population database (gnomAD), indicating this variant is rare. At this time, the clinical significance of this variant is uncertain due to the absence of conclusive functional and genetic evidence.

NM_005214.5(CTLA4):c.356T>C (p.Leu119Pro)

Gene: CTLA4 (cytotoxic T-lymphocyte associated protein 4; plus strand). Cytogenetic location: 2q33.2.
Variant type: single nucleotide variant.
Coding change: c.356T>C on transcript NM_005214.5 (MANE Select); coding-DNA position 356, T replaced by C.
Protein change: p.Leu119Pro; replaces leucine 119 with proline.
Molecular consequence: missense variant.
Genome position (GRCh38, 1-based): chr2:203,870,832, T>C. VCF-style: chr2-203870832-T-C. GRCh37 (hg19) VCF-style: chr2-204735555-T-C.
Other names: c.356T>C, p.Leu119Pro (NM_001037631.3); short protein forms L119P.
Identifiers: ClinVar variation 4995858 (VCV004995858.1).